The following is an entry in ClinVar:

NM_003327.4(TNFRSF4):c.146-2A>G

Gene: TNFRSF4 (TNF receptor superfamily member 4; minus strand). Cytogenetic location: 1p36.33.
Variant type: single nucleotide variant.
Coding change: c.146-2A>G on transcript NM_003327.4 (MANE Select); the canonical splice acceptor site of the intron before coding-DNA position 146, A replaced by G.
Molecular consequence: splice acceptor variant.
Genome position (GRCh38, 1-based): chr1:1,213,787, T>C on the plus strand (A>G on the coding strand, the complement: TNFRSF4 is on the minus strand). VCF-style: chr1-1213787-T-C. GRCh37 (hg19) VCF-style: chr1-1149167-T-C.
Other names: c.146-2A>G (NM_001410709.1).
Identifiers: ClinVar variation 580337 (VCV000580337.8), dbSNP rs983879173, ClinGen allele CA16733607.

ClinVar aggregate classification (germline): Uncertain significance. Review status: criteria provided, multiple submitters, no conflicts (2 of 4 stars). 2 submissions from 2 submitters: Uncertain significance (2). Last evaluated 2022-04-08.

Conditions:
Combined immunodeficiency due to OX40 deficiency. Also called: OX40 DEFICIENCY; Immunodeficiency 16. Identifiers: Orphanet 431149, MedGen C3810053, MONDO:0014268, OMIM 615593.

Allele frequency attached by ClinVar (database versions not stated): gnomAD exomes 0.00001; TOPMed 0.00001.
gnomAD v4.1: 12 of 1,596,042 alleles (0.00075%); highest among the groups gnomAD compares: Non-Finnish European, 0.001%; no homozygotes.

Submissions (2):

Fulgent Genetics
Classification: Uncertain significance for Combined immunodeficiency due to OX40 deficiency. Last evaluated: 2022-04-08. Review status: criteria provided, single submitter. Criteria: ACMG Guidelines, 2015. Collection method: clinical testing. Allele origin: unknown.

Labcorp Genetics (formerly Invitae), Labcorp
Classification: Uncertain significance for Combined immunodeficiency due to OX40 deficiency. Last evaluated: 2018-06-06. Review status: criteria provided, single submitter. Criteria: Invitae Variant Classification Sherloc (09022015). Collection method: clinical testing. Allele origin: germline.
Comment: This sequence change affects an acceptor splice site in intron 1 of the TNFRSF4 gene. It is expected to disrupt RNA splicing and likely results in an absent or disrupted protein product. This variant is not present in population databases (ExAC no frequency). This variant has not been reported in the literature in individuals with TNFRSF4-related disease. The current clinical and genetic evidence is not sufficient to establish whether loss-of-function variants in TNFRSF4 cause disease. In summary, the available evidence is currently insufficient to determine the role of this variant in disease. Therefore, it has been classified as a Variant of Uncertain Significance.